The following is an entry in ClinVar:

NM_000179.3(MSH6):c.3991C>T (p.Arg1331Ter)

Gene: MSH6 (mutS homolog 6; plus strand). Cytogenetic location: 2p16.3.
Variant type: single nucleotide variant.
Coding change: c.3991C>T on transcript NM_000179.3 (MANE Select); coding-DNA position 3991, C replaced by T.
Protein change: p.Arg1331Ter; replaces arginine 1331 with a stop codon.
Molecular consequence: nonsense.
Genome position (GRCh38, 1-based): chr2:47,806,641, C>T. VCF-style: chr2-47806641-C-T. GRCh37 (hg19) VCF-style: chr2-48033780-C-T.
Other names: p.R1331*:CGA>TGA; c.3601C>T, p.Arg1201Ter (NM_001281492.2); c.3085C>T, p.Arg1029Ter (NM_001281493.2, NM_001281494.2); c.3601C>T (NM_001281492.1); short protein forms R1331*, R1029*, R1201*.
Identifiers: ClinVar variation 42472 (VCV000042472.61), dbSNP rs267608094, ClinGen allele CA015060.
Genomic context (GRCh38, chr2:47,806,641, plus strand): 5'-GAAGTTATTCAAAAGGGACATAGAAAAGCAAGAGAATTTGAGAAGATGAATCAGTCACTA[C>T]GATTATTTCGGTAACTAACTAACTATAATGGAATTATAACTAACTGACCTTAAGTTTCAA-3'

ClinVar aggregate classification (germline): Pathogenic. Review status: reviewed by expert panel (3 of 4 stars). 26 submissions from 26 submitters: Pathogenic (1). 25 of the submissions do not count toward it. Last evaluated 2013-09-05.

Conditions:
Hereditary nonpolyposis colon cancer (HNPCC). Also called: Hereditary Nonpolyposis Colorectal Cancer Syndrome; Hereditary nonpolyposis colorectal cancer; Familial nonpolyposis colon cancer. Identifiers: Orphanet 443909, MedGen C1333990, MONDO:0018630. Disease mechanism: loss of function.
MSH6-related disorder. Also called: MSH6-related condition; MSH6-Related disorders.
Lynch syndrome 5 (LYNCH5). Also called: Hereditary non-polyposis colorectal cancer, type 5; Colorectal cancer, hereditary nonpolyposis, type 5. Identifiers: Orphanet 144, MedGen C1833477, MONDO:0013710, OMIM 614350. Disease mechanism: loss of function.
Endometrial carcinoma. Also called: Endometrial carcinoma, somatic. Identifiers: MedGen C0476089, MONDO:0002447, OMIM 608089, HP:0012114.
Mismatch repair cancer syndrome 3. Identifiers: MedGen C5436807, MONDO:0030841, OMIM 619097.
Hereditary nonpolyposis colorectal neoplasms. Identifiers: MedGen C0009405, MeSH D003123.
Breast and/or ovarian cancer. Identifiers: MedGen CN221562.
Hereditary cancer-predisposing syndrome. Also called: Hereditary Cancer Syndrome; Neoplastic Syndromes, Hereditary; Hereditary neoplastic syndrome; Tumor predisposition. Identifiers: Orphanet 140162, MedGen C0027672, MeSH D009386, MONDO:0015356.
Lynch syndrome. Identifiers: Orphanet 144, MedGen C4552100, MONDO:0005835. Disease mechanism: loss of function.

Allele frequency attached by ClinVar (database versions not stated): TOPMed 0.00003.

Submissions 1 to 8 of 26:

International Society for Gastrointestinal Hereditary Tumours (InSiGHT)
Classification: Pathogenic for Lynch Syndrome. Last evaluated: 2013-09-05. Review status: reviewed by expert panel. Criteria: Guidelines v1.9. Collection method: research. Allele origin: germline.
Comment: Coding sequence variation resulting in a stop codon (variant causes splicing aberration)

Classified with v1.9 guidelines

Labcorp Genetics (formerly Invitae), Labcorp
Classification: Pathogenic for Hereditary nonpolyposis colorectal neoplasms. Last evaluated: 2025-11-25. Review status: criteria provided, single submitter. Criteria: Invitae Variant Classification Sherloc (09022015). Collection method: clinical testing. Allele origin: germline. Not counted in ClinVar's aggregate classification.
Comment: This sequence change creates a premature translational stop signal (p.Arg1331*) in the MSH6 gene. While this is not anticipated to result in nonsense mediated decay, it is expected to disrupt the last 30 amino acid(s) of the MSH6 protein. This variant is present in population databases (rs267608094, gnomAD 0.003%). This premature translational stop signal has been observed in individual(s) with clinical features of Lynch syndrome (PMID: 16034045, 18301448, 20587412, 21056691, 21642682, 27601186). In at least one individual the data is consistent with being in trans (on the opposite chromosome) from a pathogenic variant. Invitae Evidence Modeling of clinical and family history, age, sex, and reported ancestry of multiple individuals with this MSH6 variant has been performed. This variant is expected to be pathogenic with a positive predictive value of at least 99%. This is a validated machine learning model that incorporates the clinical features of 1,627,235 individuals referred to our laboratory for MSH6 testing. ClinVar contains an entry for this variant (Variation ID: 42472). Algorithms developed to predict the effect of variants on gene product structure and function are not available or were not evaluated for this variant. Experimental studies have shown that this premature translational stop signal affects MSH6 function (PMID: 16418736). Studies have shown that this premature translational stop signal is associated with inconclusive levels of altered splicing (internal data). This variant disrupts a region of the MSH6 protein in which other variant(s) (p.Leu1330Valfs*12) have been determined to be pathogenic (PMID: 19851887, 21155762). This suggests that this is a clinically significant region of the protein, and that variants that disrupt it are likely to be disease-causing. For these reasons, this variant has been classified as Pathogenic.

PreventionGenetics, part of Exact Sciences
Classification: Pathogenic for MSH6-related condition. Last evaluated: 2025-11-12. Review status: criteria provided, single submitter. Criteria: ACMG Guidelines, 2015. Collection method: clinical testing. Allele origin: germline. Not counted in ClinVar's aggregate classification.
Comment: The MSH6 c.3991C>T variant is predicted to result in premature protein termination (p.Arg1331*). This variant has been repeatedly reported in the heterozygous state in individuals with variable cancer phenotypes, including patients with colorectal, endometrial, and breast cancer (see for example Sjursen et al. 2010. PubMed ID: 20587412; Goodfellow et al. 2015. PubMed ID: 26552419; Susswein et al. 2016. PubMed ID: 26681312). This variant has also been reported in the homozygous and compound heterozygous states in patients with constitutional mismatch repair syndrome (see for example Plaschke et al. 2006. PubMed ID: 16418736; Lavoine et al. 2015. PubMed ID: 26318770). This variant is reported in 0.0033% of alleles in individuals of South Asian descent in gnomAD. This variant is classified as pathogenic in ClinVar (Variation ID: 42472). Nonsense variants in MSH6 are expected to be pathogenic. Taken together, this variant is interpreted as pathogenic.

Genomic Medicine Center of Excellence, King Faisal Specialist Hospital and Research Centre
Classification: Pathogenic for Lynch syndrome 5. Last evaluated: 2025-09-10. Review status: criteria provided, single submitter. Criteria: ACMG Guidelines, 2015. Collection method: clinical testing. Allele origin: germline. Not counted in ClinVar's aggregate classification.

Mayo Clinic Laboratories, Mayo Clinic
Classification: Pathogenic. Last evaluated: 2025-03-19. Review status: criteria provided, single submitter. Criteria: ACMG Guidelines, 2015. Collection method: clinical testing. Allele origin: germline. Observed: 1 variant allele. Not counted in ClinVar's aggregate classification.
Comment: PP4, PM2_supporting, PM3, PVS1

GeneDx
Classification: Pathogenic. Last evaluated: 2024-12-02. Review status: criteria provided, single submitter. Criteria: GeneDx Variant Classification Process June 2021. Collection method: clinical testing. Allele origin: germline. Affected: yes. Not counted in ClinVar's aggregate classification.
Comment: Observed in the homozygous or compound heterozygous state in individuals with a personal history consistent with constitutional mismatch repair deficiency (CMMR-D) syndrome (PMID: 16418736, 26318770); Nonsense variant in the C-terminus predicted to result in protein truncation, as the last 30 amino acids are lost, and also demonstrated to result in partial skipping of exon 9 (PMID: 16418736); Not observed at significant frequency in large population cohorts (gnomAD); This variant is associated with the following publications: (PMID: 24989436, 25525159, 18409202, 18709565, 26681312, 26552419, 26318770, 12019211, 22081473, 16034045, 21056691, 21674763, 21376568, 18301448, 21642682, 16418736, 27601186, 24362816, 19851887, 30322717, 31447099, 32019277, 21120944, 17531815, 33087929, 34445333, 32427313, 30787465, 28888541, 29922827, 36744932, 29345684, 20587412, 27380347, 31054147, 33471991)

Ambry Genetics
Classification: Pathogenic for Hereditary cancer-predisposing syndrome. Last evaluated: 2024-05-27. Review status: criteria provided, single submitter. Criteria: Ambry Variant Classification Scheme 2023. Collection method: clinical testing. Allele origin: germline. Not counted in ClinVar's aggregate classification.
Comment: The p.R1331* pathogenic mutation (also known as c.3991C>T), located in coding exon 9 of the MSH6 gene, results from a C to T substitution at nucleotide position 3991. This changes the amino acid from an arginine to a stop codon within coding exon 9. This mutation has been reported in multiple individuals with Lynch syndrome (Plaschke J et al. Eur. J. Hum. Genet. 2006 May;14:561-6; Sjursen W et al. J. Med. Genet. 2010 Sep;47:579-85; van Lier MG et al. J. Pathol. 2012 Apr;226:764-74; Lagerstedt-Robinson K et al. Oncol Rep, 2016 Nov;36:2823-2835), including at least one with breast cancer (Roberts ME et al. Genet. Med. 2018 10;20:1167-1174) and one individual with ovarian cancer (Carter NJ et al. Gynecol Oncol, 2018 12;151:481-488). In addition to the clinical data presented in the literature, this alteration is expected to result in loss of function by premature protein truncation. As such, this alteration is interpreted as a disease-causing mutation.

Color Diagnostics, LLC DBA Color Health
Classification: Pathogenic for Hereditary cancer-predisposing syndrome. Last evaluated: 2024-02-22. Review status: criteria provided, single submitter. Criteria: ACMG Guidelines, 2015. Collection method: clinical testing. Allele origin: germline. Not counted in ClinVar's aggregate classification.
Comment: This variant changes 1 nucleotide in exon 9 of the MSH6 gene, creating a premature translation stop signal. This variant is expected to result in an absent or non-functional protein product. This variant has been reported in individuals affected with Lynch syndrome or Lynch syndrome-associated cancers, as well as reported homozygous in an individual affected with constitutional mismatch repair deficiency syndrome (PMID: 16034045, 16418736, 20587412, 21056691, 21674763, 22081473, 26318770, 26552419, 27601186, 29345684). This variant has been identified in 1/245746 chromosomes in the general population by the Genome Aggregation Database (gnomAD). Loss of MSH6 function is a known mechanism of disease. Based on the available evidence, this variant is classified as Pathogenic.